The following is an entry in ClinVar:

ClinVar aggregate classification (germline): Conflicting classifications of pathogenicity. Review status: criteria provided, conflicting classifications (1 of 4 stars). 5 submissions from 5 submitters: Uncertain significance (1); Likely benign (4). Last evaluated 2025-07-29.

Conditions:
Familial thoracic aortic aneurysm and aortic dissection (TAAD). Also called: Thoracic aortic aneurysms and dissections. Identifiers: Orphanet 91387, MedGen C4707243, MONDO:0019625.
TGFBR1-related disorder. Also called: TGFBR1-related condition.
Loeys-Dietz syndrome (LDS). Identifiers: Orphanet 60030, MedGen C2697932, MONDO:0018954.

Allele frequency attached by ClinVar (database versions not stated): gnomAD 0.00001; TOPMed 0.00001.
gnomAD v4.1: 19 of 1,612,442 alleles (0.0012%); highest among the groups gnomAD compares: Middle Eastern, 0.033%; no homozygotes.

Submissions (5):

PreventionGenetics, part of Exact Sciences
Classification: Likely benign for TGFBR1-related condition. Last evaluated: 2025-07-29. Review status: criteria provided, single submitter. Criteria: ACMG Guidelines, 2015. Collection method: clinical testing. Allele origin: germline.
Comment: This variant is classified as likely benign based on ACMG/AMP sequence variant interpretation guidelines (Richards et al. 2015 PMID: 25741868, with internal and published modifications).

Labcorp Genetics (formerly Invitae), Labcorp
Classification: Likely benign for Familial thoracic aortic aneurysm and aortic dissection. Last evaluated: 2024-12-18. Review status: criteria provided, single submitter. Criteria: Invitae Variant Classification Sherloc (09022015). Collection method: clinical testing. Allele origin: germline.

All of Us Research Program, National Institutes of Health
Classification: Likely benign for Loeys-Dietz syndrome. Last evaluated: 2024-07-20. Review status: criteria provided, single submitter. Criteria: ACMG Guidelines, 2015. Collection method: clinical testing. Allele origin: germline. Inheritance: Autosomal dominant inheritance. Observed: 1 variant allele, 1 heterozygote.
Comment: This study involves interpretation of variants in research participants for the purpose of population health screening. Participant phenotype was not available at the time of variant classification. Additional details can be found in publication PMID: 35346344, PMCID: PMC8962531

Blueprint Genetics
Classification: Uncertain significance. Last evaluated: 2024-07-12. Review status: criteria provided, single submitter. Criteria: ACMG Guidelines, 2015. Collection method: clinical testing. Allele origin: germline.

Color Diagnostics, LLC DBA Color Health
Classification: Likely benign for Familial thoracic aortic aneurysm and aortic dissection. Last evaluated: 2018-10-23. Review status: criteria provided, single submitter. Criteria: ACMG Guidelines, 2015. Collection method: clinical testing. Allele origin: germline.

NM_004612.4(TGFBR1):c.1256-8T>C

Gene: TGFBR1 (transforming growth factor beta receptor 1; plus strand). Cytogenetic location: 9q22.33.
Variant type: single nucleotide variant.
Coding change: c.1256-8T>C on transcript NM_004612.4 (MANE Select); 8 bases into the intron before coding-DNA position 1256, T replaced by C.
Molecular consequence: intron variant.
Genome position (GRCh38, 1-based): chr9:99,147,646, T>C. VCF-style: chr9-99147646-T-C. GRCh37 (hg19) VCF-style: chr9-101909928-T-C.
Other names: c.1268-8T>C (NM_001306210.2); c.1025-8T>C (NM_001130916.3).
Identifiers: ClinVar variation 629812 (VCV000629812.14), dbSNP rs1187207740, ClinGen allele CA869142253.